The following is an entry in ClinVar:

NM_017807.4(OSGEP):c.266T>C (p.Val89Ala)

Genes: OSGEP (O-sialoglycoprotein endopeptidase; minus strand), LOC107372315 (OSGEP/APEX1 bi-directional promoter region; plus strand). Cytogenetic location: 14q11.2.
Variant type: single nucleotide variant.
Coding change: c.266T>C on transcript NM_017807.4 (MANE Select); coding-DNA position 266, T replaced by C.
Protein change: p.Val89Ala; replaces valine 89 with alanine.
Molecular consequence: missense variant.
Genome position (GRCh38, 1-based): chr14:20,452,119, A>G on the plus strand (T>C on the coding strand, the complement: OSGEP is on the minus strand). VCF-style: chr14-20452119-A-G. GRCh37 (hg19) VCF-style: chr14-20920278-A-G.
Other names: short protein forms V89A.
Identifiers: ClinVar variation 2087424 (VCV002087424.4), dbSNP rs959034063, ClinGen allele CA257403157.
Genomic context (GRCh38, chr14:20,452,119, plus strand): 5'-TGGTTCACACCCACCAATGGCTTATTCCACAGTTGGGCCACAGTACGGGCCACAACAGCC[A>G]CAGAAACCAGTGGGGCACCCATGCCAGGGCCTAGGGAGATAGAAATGGAAGTTATAATCC-3'
Protein context (NP_060277.1, residues 79-99): GPGMGAPLVS[Val89Ala]AVVARTVAQL

ClinVar aggregate classification (germline): Uncertain significance (1 of 4 stars; one submission).

Allele frequency attached by ClinVar (database versions not stated): TOPMed 0.00001; gnomAD 0.00002; gnomAD exomes 0.00003.
gnomAD v4.1: 42 of 1,612,918 alleles (0.0026%); highest among the groups gnomAD compares: Non-Finnish European, 0.0033%; no homozygotes.

Submission:

Labcorp Genetics (formerly Invitae), Labcorp
Classification: Uncertain significance. Last evaluated: 2022-05-10. Review status: criteria provided, single submitter. Criteria: Invitae Variant Classification Sherloc (09022015). Collection method: clinical testing. Allele origin: germline.
Comment: In summary, the available evidence is currently insufficient to determine the role of this variant in disease. Therefore, it has been classified as a Variant of Uncertain Significance. This sequence change replaces valine, which is neutral and non-polar, with alanine, which is neutral and non-polar, at codon 89 of the OSGEP protein (p.Val89Ala). This variant is present in population databases (no rsID available, gnomAD 0.004%). This variant has not been reported in the literature in individuals affected with OSGEP-related conditions. Algorithms developed to predict the effect of missense changes on protein structure and function (SIFT, PolyPhen-2, Align-GVGD) all suggest that this variant is likely to be tolerated.